The following is an entry in ClinVar:

NM_145046.5(CALR3):c.632C>T (p.Pro211Leu)

Gene: CALR3 (calreticulin 3; minus strand). Cytogenetic location: 19p13.11.
Variant type: single nucleotide variant.
Coding change: c.632C>T on transcript NM_145046.5 (MANE Select); coding-DNA position 632, C replaced by T.
Protein change: p.Pro211Leu; replaces proline 211 with leucine.
Molecular consequence: missense variant.
Genome position (GRCh38, 1-based): chr19:16,483,976, G>A on the plus strand (C>T on the coding strand, the complement: CALR3 is on the minus strand). VCF-style: chr19-16483976-G-A. GRCh37 (hg19) VCF-style: chr19-16594787-G-A.
Other names: c.632C>T (NM_145046.4); short protein forms P211L.
Identifiers: ClinVar variation 1367008 (VCV001367008.7), dbSNP rs772004043, ClinGen allele CA9278337.
Genomic context (GRCh38, chr19:16,483,976, plus strand): 5'-GGAAAAATTCACACCTGGGCTTTGTTGTCTTTAGTCTGTTCCCAATCCTTCGATTCTGCC[G>A]GGGACGTTTCCTTCTTGAGTGATGTTAAGTTCCAGTCGTACTCTATGCTGCCGGATTCAA-3'
Protein context (NP_659483.2, residues 201-221): NLTSLKKETS[Pro211Leu]AESKDWEQTK

ClinVar aggregate classification (germline): Uncertain significance. Review status: criteria provided, multiple submitters, no conflicts (2 of 4 stars). 2 submissions from 2 submitters: Uncertain significance (2). Last evaluated 2025-01-10.

Conditions:
CALR3-related disorder. Also called: CALR3-related condition.
Hypertrophic cardiomyopathy 19. Also called: Familial hypertrophic cardiomyopathy 19. Identifiers: MedGen CN077603, MONDO:0013476.

Allele frequency attached by ClinVar (database versions not stated): ExAC 0.00001; gnomAD exomes 0.00002 and 0.00005; TOPMed 0.00003; gnomAD 0.00004.
gnomAD v4.1: 80 of 1,613,830 alleles (0.005%); highest among the groups gnomAD compares: Non-Finnish European, 0.0062%; no homozygotes.

Submissions (2):

PreventionGenetics, part of Exact Sciences
Classification: Uncertain significance for CALR3-related condition. Last evaluated: 2025-01-10. Review status: criteria provided, single submitter. Criteria: ACMG Guidelines, 2015. Collection method: clinical testing. Allele origin: germline.
Comment: The CALR3 c.632C>T variant is predicted to result in the amino acid substitution p.Pro211Leu. To our knowledge, this variant has not been reported in the literature. This variant is reported in 0.0039% of alleles in individuals of European (Non-Finnish) descent in gnomAD. At this time, the clinical significance of this variant is uncertain due to the absence of conclusive functional and genetic evidence.

Labcorp Genetics (formerly Invitae), Labcorp
Classification: Uncertain significance for Hypertrophic cardiomyopathy 19. Last evaluated: 2024-09-03. Review status: criteria provided, single submitter. Criteria: Invitae Variant Classification Sherloc (09022015). Collection method: clinical testing. Allele origin: germline.
Comment: This sequence change replaces proline, which is neutral and non-polar, with leucine, which is neutral and non-polar, at codon 211 of the CALR3 protein (p.Pro211Leu). This variant is present in population databases (rs772004043, gnomAD 0.004%). This variant has not been reported in the literature in individuals affected with CALR3-related conditions. ClinVar contains an entry for this variant (Variation ID: 1367008). Invitae Evidence Modeling of protein sequence and biophysical properties (such as structural, functional, and spatial information, amino acid conservation, physicochemical variation, residue mobility, and thermodynamic stability) indicates that this missense variant is not expected to disrupt CALR3 protein function with a negative predictive value of 80%. In summary, the available evidence is currently insufficient to determine the role of this variant in disease. Therefore, it has been classified as a Variant of Uncertain Significance.